The following is an entry in ClinVar:

NM_012418.4(FSCN2):c.679C>T (p.His227Tyr)

Gene: FSCN2 (fascin actin-bundling protein 2, retinal; plus strand). Cytogenetic location: 17q25.3.
Variant type: single nucleotide variant.
Coding change: c.679C>T on transcript NM_012418.4 (MANE Select); coding-DNA position 679, C replaced by T.
Protein change: p.His227Tyr; replaces histidine 227 with tyrosine.
Molecular consequence: missense variant.
Genome position (GRCh38, 1-based): chr17:81,529,210, C>T. VCF-style: chr17-81529210-C-T. GRCh37 (hg19) VCF-style: chr17-79496236-C-T.
Other names: c.679C>T, p.His227Tyr (NM_001077182.3); short protein forms H227Y.
Identifiers: ClinVar variation 3667829 (VCV003667829.2).

ClinVar aggregate classification (germline): Uncertain significance (1 of 4 stars; one submission).

Submission:

Labcorp Genetics (formerly Invitae), Labcorp
Classification: Uncertain significance. Last evaluated: 2024-03-20. Review status: criteria provided, single submitter. Criteria: Invitae Variant Classification Sherloc (09022015). Collection method: clinical testing. Allele origin: germline.
Comment: This sequence change replaces histidine, which is basic and polar, with tyrosine, which is neutral and polar, at codon 227 of the FSCN2 protein (p.His227Tyr). This variant is not present in population databases (gnomAD no frequency). This variant has not been reported in the literature in individuals affected with FSCN2-related conditions. An algorithm developed to predict the effect of missense changes on protein structure and function (PolyPhen-2) suggests that this variant is likely to be tolerated. In summary, the available evidence is currently insufficient to determine the role of this variant in disease. Therefore, it has been classified as a Variant of Uncertain Significance.